The following is an entry in ClinVar:

NM_176824.3(BBS7):c.1621G>T (p.Val541Leu)

Gene: BBS7 (Bardet-Biedl syndrome 7; minus strand). Cytogenetic location: 4q27.
Variant type: single nucleotide variant.
Coding change: c.1621G>T on transcript NM_176824.3 (MANE Select); coding-DNA position 1621, G replaced by T.
Protein change: p.Val541Leu; replaces valine 541 with leucine.
Molecular consequence: missense variant.
Genome position (GRCh38, 1-based): chr4:121,833,286, C>A on the plus strand (G>T on the coding strand, the complement: BBS7 is on the minus strand). VCF-style: chr4-121833286-C-A. GRCh37 (hg19) VCF-style: chr4-122754441-C-A.
Other names: c.1621G>T, p.Val541Leu (NM_018190.4); short protein forms V541L.
Identifiers: ClinVar variation 5000250 (VCV005000250.1).

ClinVar aggregate classification (germline): Uncertain significance (1 of 4 stars; one submission).

Conditions:
BBS7-related disorder. Also called: BBS7-related condition.

Submission:

PreventionGenetics, part of Exact Sciences
Classification: Uncertain significance for BBS7-related condition. Last evaluated: 2025-02-20. Review status: criteria provided, single submitter. Criteria: ACMG Guidelines, 2015. Collection method: clinical testing. Allele origin: germline.
Comment: The BBS7 c.1621G>T variant is predicted to result in the amino acid substitution p.Val541Leu. To our knowledge, this variant has not been reported in the literature or in a large population database (gnomAD), indicating this variant is rare. At this time, the clinical significance of this variant is uncertain due to the absence of conclusive functional and genetic evidence.